The following is an entry in ClinVar:

NM_001370259.2(MEN1):c.745_754del (p.Leu249fs)

Gene: MEN1 (menin 1; minus strand). Cytogenetic location: 11q13.1.
Variant type: Deletion.
Coding change: c.745_754del on transcript NM_001370259.2 (MANE Select); coding-DNA positions 745 to 754, 10 bases deleted (CTGCACACCG; older notation c.745_754delCTGCACACCG).
Protein change: p.Leu249fs; shifts the reading frame from leucine 249.
Molecular consequence: frameshift variant. On other transcripts: non-coding transcript variant (4).
Genome position (GRCh38, 1-based): chr11:64,807,581-64,807,590, CGGTGTGCAG deleted on the plus strand (CTGCACACCG on the coding strand, the reverse complement: MEN1 is on the minus strand). VCF-style (leftmost placement, unchanged base first): chr11-64807580-TCGGTGTGCAG-T. GRCh37 (hg19) VCF-style: chr11-64575052-TCGGTGTGCAG-T.
Other names: c.760_769del, p.Leu254fs (NM_000244.4, NM_001407145.1, NM_001407150.1 and 5 more transcripts); c.745_754del, p.Leu249fs (NM_001370251.2, NM_001370260.2, NM_001370261.2 and 7 more transcripts); c.640_649del, p.Leu214fs (NM_001370262.2, NM_001370263.2, NM_001407148.1 and 2 more transcripts); short protein forms L254fs, L249fs, L214fs.
Identifiers: ClinVar variation 3660049 (VCV003660049.2).

ClinVar aggregate classification (germline): Pathogenic (1 of 4 stars; one submission).

Conditions:
Multiple endocrine neoplasia, type 1 (MEN1). Also called: MEN I; WERMER SYNDROME; Endocrine adenomatosis multiple; MEN 1; MEA I. Identifiers: Orphanet 652, MedGen C0025267, MeSH D018761, MONDO:0007540, OMIM 131100.

Submission:

Labcorp Genetics (formerly Invitae), Labcorp
Classification: Pathogenic for Multiple endocrine neoplasia, type 1. Last evaluated: 2024-07-21. Review status: criteria provided, single submitter. Criteria: Invitae Variant Classification Sherloc (09022015). Collection method: clinical testing. Allele origin: germline.
Comment: This sequence change creates a premature translational stop signal (p.Leu249Thrfs*29) in the MEN1 gene. It is expected to result in an absent or disrupted protein product. Loss-of-function variants in MEN1 are known to be pathogenic (PMID: 12112656, 17853334). This variant is not present in population databases (gnomAD no frequency). This variant has not been reported in the literature in individuals affected with MEN1-related conditions. For these reasons, this variant has been classified as Pathogenic.

Literature cited by the submitters: PubMed 12112656; PubMed 17853334.